The following is an entry in ClinVar:

NM_000929.3(PLA2G5):c.173A>G (p.Asp58Gly)

Gene: PLA2G5 (phospholipase A2 group V; plus strand). Cytogenetic location: 1p36.13.
Variant type: single nucleotide variant.
Coding change: c.173A>G on transcript NM_000929.3 (MANE Select); coding-DNA position 173, A replaced by G.
Protein change: p.Asp58Gly; replaces aspartic acid 58 with glycine.
Molecular consequence: missense variant.
Genome position (GRCh38, 1-based): chr1:20,086,215, A>G. VCF-style: chr1-20086215-A-G. GRCh37 (hg19) VCF-style: chr1-20412708-A-G.
Other names: short protein forms D58G.
Identifiers: ClinVar variation 2853329 (VCV002853329.3), dbSNP rs2523542674, ClinGen allele CA338819944.
Genomic context (GRCh38, chr1:20,086,215, plus strand): 5'-TGACAAACTACGGCTTCTACGGCTGTTACTGCGGCTGGGGCGGCCGAGGAACCCCCAAGG[A>G]TGGCACCGATTGGTGAGCTGATCGCTATAACTGCCCTTTAGGCTCCAGGCTCTGCACCCA-3'
Protein context (NP_000920.1, residues 48-68): CGWGGRGTPK[Asp58Gly]GTDWCCWAHD

ClinVar aggregate classification (germline): Uncertain significance (1 of 4 stars; one submission).

Submission:

Labcorp Genetics (formerly Invitae), Labcorp
Classification: Uncertain significance. Last evaluated: 2025-08-19. Review status: criteria provided, single submitter. Criteria: Invitae Variant Classification Sherloc (09022015). Collection method: clinical testing. Allele origin: germline.
Comment: This sequence change replaces aspartic acid, which is acidic and polar, with glycine, which is neutral and non-polar, at codon 58 of the PLA2G5 protein (p.Asp58Gly). This variant is not present in population databases (gnomAD no frequency). This variant has not been reported in the literature in individuals affected with PLA2G5-related conditions. ClinVar contains an entry for this variant (Variation ID: 2853329). An algorithm developed to predict the effect of missense changes on protein structure and function (PolyPhen-2) suggests that this variant is likely to be disruptive. In summary, the available evidence is currently insufficient to determine the role of this variant in disease. Therefore, it has been classified as a Variant of Uncertain Significance.